The following is an entry in ClinVar:

NM_015047.3(EMC1):c.1430C>T (p.Ala477Val)

Genes: EMC1 (ER membrane protein complex subunit 1; minus strand), EMC1-AS1 (EMC1 antisense RNA 1; plus strand). Cytogenetic location: 1p36.13.
Variant type: single nucleotide variant.
Coding change: c.1430C>T on transcript NM_015047.3 (MANE Select); coding-DNA position 1430, C replaced by T.
Protein change: p.Ala477Val; replaces alanine 477 with valine.
Molecular consequence: missense variant.
Genome position (GRCh38, 1-based): chr1:19,235,132, G>A on the plus strand (C>T on the coding strand, the complement: EMC1 is on the minus strand). VCF-style: chr1-19235132-G-A. GRCh37 (hg19) VCF-style: chr1-19561626-G-A.
Other names: c.1427C>T, p.Ala476Val (NM_001271427.2, NM_001271428.2, NM_001375821.1); c.1364C>T, p.Ala455Val (NM_001271429.2); c.1430C>T, p.Ala477Val (NM_001375820.1); short protein forms A455V, A476V, A477V.
Identifiers: ClinVar variation 3011169 (VCV003011169.3), dbSNP rs2536746367, ClinGen allele CA338763783.
Genomic context (GRCh38, chr1:19,235,132, plus strand): 5'-GTCATTTCCAGACTGGCCCCTCCAGCAACTCTGCAGCTCCAACCTCTTAGGTTCATACCT[G>A]CCTTTTTGCCAAATTCTCCTTCCAGCTCGGCCTGTGCCCCAGTCAGGGGGAGGTCCACCA-3'
Protein context (NP_055862.1, residues 467-487): AELEGEFGKK[Ala477Val]DGLLGMFLKR

ClinVar aggregate classification (germline): Uncertain significance (1 of 4 stars; one submission).

Submission:

Labcorp Genetics (formerly Invitae), Labcorp
Classification: Uncertain significance. Last evaluated: 2023-11-19. Review status: criteria provided, single submitter. Criteria: Invitae Variant Classification Sherloc (09022015). Collection method: clinical testing. Allele origin: germline.
Comment: This sequence change replaces alanine, which is neutral and non-polar, with valine, which is neutral and non-polar, at codon 477 of the EMC1 protein (p.Ala477Val). This variant is not present in population databases (gnomAD no frequency). This variant has not been reported in the literature in individuals affected with EMC1-related conditions. An algorithm developed to predict the effect of missense changes on protein structure and function (PolyPhen-2) suggests that this variant is likely to be tolerated. Algorithms developed to predict the effect of sequence changes on RNA splicing suggest that this variant may disrupt the consensus splice site. In summary, the available evidence is currently insufficient to determine the role of this variant in disease. Therefore, it has been classified as a Variant of Uncertain Significance.